The following is an entry in ClinVar:

ClinVar aggregate classification (germline): Uncertain significance (1 of 4 stars; one submission).

Allele frequency attached by ClinVar (database versions not stated): gnomAD exomes below 0.00001 and 0.00001.
gnomAD v4.1: 13 of 1,614,154 alleles (0.00081%); highest among the groups gnomAD compares: East Asian, 0.0022%; no homozygotes.

Submission:

Labcorp Genetics (formerly Invitae), Labcorp
Classification: Uncertain significance. Last evaluated: 2021-02-18. Review status: criteria provided, single submitter. Criteria: Invitae Variant Classification Sherloc (09022015). Collection method: clinical testing. Allele origin: germline.
Comment: In summary, the available evidence is currently insufficient to determine the role of this variant in disease. Therefore, it has been classified as a Variant of Uncertain Significance. Algorithms developed to predict the effect of sequence changes on RNA splicing suggest that this variant may create or strengthen a splice site, but this prediction has not been confirmed by published transcriptional studies. Algorithms developed to predict the effect of missense changes on protein structure and function output the following: SIFT: "Tolerated"; PolyPhen-2: "Benign"; Align-GVGD: "Class C0". The glutamine amino acid residue is found in multiple mammalian species, suggesting that this missense change does not adversely affect protein function. These predictions have not been confirmed by published functional studies and their clinical significance is uncertain. This variant has not been reported in the literature in individuals with DEF6-related conditions. This variant is not present in population databases (ExAC no frequency). This sequence change replaces arginine with glutamine at codon 199 of the DEF6 protein (p.Arg199Gln). The arginine residue is moderately conserved and there is a small physicochemical difference between arginine and glutamine.

NM_022047.4(DEF6):c.596G>A (p.Arg199Gln)

Gene: DEF6 (DEF6 guanine nucleotide exchange factor; plus strand). Cytogenetic location: 6p21.31.
Variant type: single nucleotide variant.
Coding change: c.596G>A on transcript NM_022047.4 (MANE Select); coding-DNA position 596, G replaced by A.
Protein change: p.Arg199Gln; replaces arginine 199 with glutamine.
Molecular consequence: missense variant.
Genome position (GRCh38, 1-based): chr6:35,312,474, G>A. VCF-style: chr6-35312474-G-A. GRCh37 (hg19) VCF-style: chr6-35280251-G-A.
Other names: short protein forms R199Q.
Identifiers: ClinVar variation 1511544 (VCV001511544.8), dbSNP rs1041454042, ClinGen allele CA137280212.